The following is an entry in ClinVar:

ClinVar aggregate classification (germline): Uncertain significance (1 of 4 stars; one submission).

Conditions:
Hereditary spastic paraplegia 4. Also called: Spastic Paraplegia 4; Spastic paraplegia 4, autosomal dominant; Familial spastic paraplegia autosomal dominant 2. Identifiers: Orphanet 100985, MedGen C1866855, MONDO:0008438, OMIM 182601.

Submission:

Labcorp Genetics (formerly Invitae), Labcorp
Classification: Uncertain significance for Hereditary spastic paraplegia 4. Last evaluated: 2022-09-23. Review status: criteria provided, single submitter. Criteria: Invitae Variant Classification Sherloc (09022015). Collection method: clinical testing. Allele origin: germline.
Comment: This sequence change replaces phenylalanine, which is neutral and non-polar, with leucine, which is neutral and non-polar, at codon 500 of the SPAST protein (p.Phe500Leu). This variant is not present in population databases (gnomAD no frequency). This variant has not been reported in the literature in individuals affected with SPAST-related conditions. Advanced modeling of protein sequence and biophysical properties (such as structural, functional, and spatial information, amino acid conservation, physicochemical variation, residue mobility, and thermodynamic stability) performed at Invitae indicates that this missense variant is not expected to disrupt SPAST protein function. In summary, the available evidence is currently insufficient to determine the role of this variant in disease. Therefore, it has been classified as a Variant of Uncertain Significance.

NM_014946.4(SPAST):c.1500C>G (p.Phe500Leu)

Gene: SPAST (spastin; plus strand). Cytogenetic location: 2p22.3.
Variant type: single nucleotide variant.
Coding change: c.1500C>G on transcript NM_014946.4 (MANE Select); coding-DNA position 1500, C replaced by G.
Protein change: p.Phe500Leu; replaces phenylalanine 500 with leucine.
Molecular consequence: missense variant.
Genome position (GRCh38, 1-based): chr2:32,141,910, C>G. VCF-style: chr2-32141910-C-G. GRCh37 (hg19) VCF-style: chr2-32366979-C-G.
Other names: c.1497C>G, p.Phe499Leu (NM_001363823.2); c.1401C>G, p.Phe467Leu (NM_001363875.2); c.1404C>G, p.Phe468Leu (NM_001377959.1, NM_199436.2); short protein forms F467L, F468L, F499L, F500L.
Identifiers: ClinVar variation 1720109 (VCV001720109.5), dbSNP rs2465896434, ClinGen allele CA346502840.
Genomic context (GRCh38, chr2:32,141,910, plus strand): 5'-TTCAGCTTTAAATTCAAAATTATATTTCTAAAAGTGCTGGATTTTTTTTTTTAGGCGTTT[C>G]ATCAAACGGGTATATGTGTCTTTACCAAATGAGGAGGTATGTATCTGTGTTTGAATTTTT-3'
Protein context (NP_055761.2, residues 490-510): QELDEAVLRR[Phe500Leu]IKRVYVSLPN